The following is an entry in ClinVar:

ClinVar aggregate classification (germline): Conflicting classifications of pathogenicity. Review status: criteria provided, conflicting classifications (1 of 4 stars). 3 submissions from 3 submitters: Likely pathogenic (1); Uncertain significance (1). 1 of the submissions does not count toward it. Last evaluated 2025-09-03.

Conditions:
Neurodevelopmental disorder with language delay and seizures (NEDLDS). Identifiers: MedGen C5676998, MONDO:0859256, OMIM 619908.

Allele frequency attached by ClinVar (database versions not stated): ESP Exome Variant Server 0.00031; ExAC 0.00038; gnomAD 0.00040 and 0.00041; TOPMed 0.00040; gnomAD exomes 0.00041 and 0.00062.
gnomAD v4.1: 957 of 1,612,516 alleles (0.059%); highest among the groups gnomAD compares: South Asian, 0.081%; 1 homozygote.

Submissions (3):

First Genomix Gene Laboratory, Genetic Diagnostics Department
Classification: Likely pathogenic for Neurodevelopmental disorder with language delay and seizures. Last evaluated: 2025-09-03. Review status: criteria provided, single submitter. Criteria: ACMG Guidelines, 2015. Collection method: clinical testing. Allele origin: germline. Inheritance: Autosomal recessive inheritance. Affected: no. Observed: 1 variant allele.

GeneDx
Classification: Uncertain significance. Last evaluated: 2023-06-07. Review status: criteria provided, single submitter. Criteria: GeneDx Variant Classification Process June 2021. Collection method: clinical testing. Allele origin: germline. Affected: yes.
Comment: Published functional studies suggest a damaging effect, however, additional studies are needed to explore the consequences of this variant (Lu S et al., 2022); In silico analysis supports that this missense variant has a deleterious effect on protein structure/function; This variant is associated with the following publications: (PMID: 35240055)

OMIM
Classification: Pathogenic for NEURODEVELOPMENTAL DISORDER WITH LANGUAGE DELAY AND SEIZURES. Last evaluated: 2022-06-14. Review status: no assertion criteria provided. Collection method: literature only. Allele origin: germline. Not counted in ClinVar's aggregate classification.

Literature cited by the submitters: PubMed 35240055 (cited by OMIM).

NM_001353694.2(TIAM1):c.67C>T (p.Arg23Cys)

Gene: TIAM1 (TIAM Rac1 associated GEF 1; minus strand). Cytogenetic location: 21q22.11.
Variant type: single nucleotide variant.
Coding change: c.67C>T on transcript NM_001353694.2 (MANE Select); coding-DNA position 67, C replaced by T.
Protein change: p.Arg23Cys; replaces arginine 23 with cysteine.
Molecular consequence: missense variant.
Genome position (GRCh38, 1-based): chr21:31,266,906, G>A on the plus strand (C>T on the coding strand, the complement: TIAM1 is on the minus strand). VCF-style: chr21-31266906-G-A. GRCh37 (hg19) VCF-style: chr21-32639222-G-A.
Other names: c.67C>T, p.Arg23Cys (NM_001353686.2, NM_001353687.2, NM_001353688.1 and 6 more transcripts); short protein forms R23C.
Identifiers: ClinVar variation 1526338 (VCV001526338.4), dbSNP rs149744081, ClinGen allele CA9998756.